The following is an entry in ClinVar:

NM_022081.6(HPS4):c.1816C>T (p.His606Tyr)

Gene: HPS4 (HPS4 biogenesis of lysosomal organelles complex 3 subunit 2; minus strand). Cytogenetic location: 22q12.1.
Variant type: single nucleotide variant.
Coding change: c.1816C>T on transcript NM_022081.6 (MANE Select); coding-DNA position 1816, C replaced by T.
Protein change: p.His606Tyr; replaces histidine 606 with tyrosine.
Molecular consequence: missense variant. On other transcripts: non-coding transcript variant (8), intron variant (2).
Genome position (GRCh38, 1-based): chr22:26,458,475, G>A on the plus strand (C>T on the coding strand, the complement: HPS4 is on the minus strand). VCF-style: chr22-26458475-G-A. GRCh37 (hg19) VCF-style: chr22-26854441-G-A.
Other names: c.1816C>T, p.His606Tyr (NM_001349896.1, NM_001349898.2, NM_001349899.2 and 2 more transcripts); c.1870C>T, p.His624Tyr (NM_001349900.2, NM_001349901.1); c.1801C>T, p.His601Tyr (NM_152841.2); c.1714-5071C>T (NM_001349902.1, NM_001349903.2); short protein forms H606Y, H601Y, H624Y.
Identifiers: ClinVar variation 163671 (VCV000163671.24), dbSNP rs1894706, ClinGen allele CA176303.

ClinVar aggregate classification (germline): Benign/Likely benign. Review status: criteria provided, multiple submitters, no conflicts (2 of 4 stars). 9 submissions from 9 submitters: Benign (8); Likely benign (1). Last evaluated 2026-02-04.

Conditions:
Hermansky-Pudlak syndrome 4 (HPS4). Identifiers: Orphanet 231500, Orphanet 79430, MedGen C3484357, MONDO:0013556, OMIM 614073.

Allele frequency attached by ClinVar (database versions not stated): ESP Exome Variant Server 0.86891; gnomAD exomes 0.87721 and 0.91429; ExAC 0.88177; 1000 Genomes Project 0.82748; 1000 Genomes Project 30x 0.82808; TOPMed 0.84228; gnomAD 0.86290 and 0.86514.
gnomAD v4.1: 1,467,591 of 1,613,888 alleles (91%); highest among the groups gnomAD compares: Non-Finnish European, 93%; 670,648 homozygotes.

Submissions (9):

Labcorp Genetics (formerly Invitae), Labcorp
Classification: Benign. Last evaluated: 2026-02-04. Review status: criteria provided, single submitter. Criteria: Invitae Variant Classification Sherloc (09022015). Collection method: clinical testing. Allele origin: germline.

Women's Health and Genetics/Laboratory Corporation of America, LabCorp
Classification: Benign. Last evaluated: 2025-02-09. Review status: criteria provided, single submitter. Criteria: LabCorp Variant Classification Summary - May 2015. Collection method: clinical testing. Allele origin: germline.

Blueprint Genetics
Classification: Likely benign. Last evaluated: 2024-11-28. Review status: criteria provided, single submitter. Criteria: ACMG Guidelines, 2015. Collection method: clinical testing. Allele origin: germline.

Mayo Clinic Laboratories, Mayo Clinic
Classification: Benign. Last evaluated: 2022-09-29. Review status: criteria provided, single submitter. Criteria: ACMG Guidelines, 2015. Collection method: clinical testing. Allele origin: germline. Observed: 579 variant alleles.

Genome-Nilou Lab
Classification: Benign for Hermansky-Pudlak syndrome 4. Last evaluated: 2021-08-10. Review status: criteria provided, single submitter. Criteria: ACMG Guidelines, 2015. Collection method: clinical testing. Allele origin: germline. Affected: no.

GeneDx
Classification: Benign. Last evaluated: 2018-11-12. Review status: criteria provided, single submitter. Criteria: GeneDx Variant Classification Process June 2021. Collection method: clinical testing. Allele origin: germline. Affected: yes.

Laboratory for Molecular Medicine, Mass General Brigham Personalized Medicine
Classification: Benign. Last evaluated: 2013-02-21. Review status: criteria provided, single submitter. Criteria: LMM Criteria. Collection method: clinical testing. Allele origin: germline. Observed: 80 variant alleles.
Comment: His606Tyr in exon 12 of HPS4: This variant is not expected to have clinical sign ificance because it has been identified in 24.6% (1084/4406) of African American chromosomes from a broad population by the NHLBI Exome Sequencing Project (dbSNP rs1894706).

Breakthrough Genomics
Classification: Benign. Review status: criteria provided, single submitter. Criteria: ACMG Guidelines, 2015. Collection method: not provided. Allele origin: germline. Inheritance: Autosomal recessive inheritance. Affected: yes.

PreventionGenetics, part of Exact Sciences
Classification: Benign. Review status: criteria provided, single submitter. Criteria: ACMG Guidelines, 2015. Collection method: clinical testing. Allele origin: germline.